The following is an entry in ClinVar:

ClinVar aggregate classification (germline): Benign/Likely benign. Review status: criteria provided, multiple submitters, no conflicts (2 of 4 stars). 7 submissions from 7 submitters: Benign (4); Likely benign (2). 1 of the submissions does not count toward it. Last evaluated 2026-02-03.

Conditions:
Inborn genetic diseases. Identifiers: MedGen C0950123, MeSH D030342.
ARID1B-Related Disorder. Identifiers: MedGen CN381337.
Coffin-Siris syndrome 1 (CSS1). Also called: Mental retardation, autosomal dominant 12; ARID1B-Related Coffin-Siris Syndrome. Identifiers: Orphanet 1465, MedGen C3281201, MONDO:0007617, OMIM 135900. Disease mechanism: gain of function.

Allele frequency attached by ClinVar (database versions not stated): gnomAD exomes 0.00105 and 0.00272; ExAC 0.00336; gnomAD 0.00911 and 0.00966; TOPMed 0.01060; ESP Exome Variant Server 0.01108; 1000 Genomes Project 0.01358; 1000 Genomes Project 30x 0.01421.
gnomAD v4.1: 2,957 of 1,614,212 alleles (0.18%); highest among the groups gnomAD compares: African/African-American, 3.2%; 34 homozygotes.

Submissions (7):

Labcorp Genetics (formerly Invitae), Labcorp
Classification: Benign. Last evaluated: 2026-02-03. Review status: criteria provided, single submitter. Criteria: Invitae Variant Classification Sherloc (09022015). Collection method: clinical testing. Allele origin: germline.

Genome-Nilou Lab
Classification: Benign for Coffin-Siris syndrome 1. Last evaluated: 2021-07-15. Review status: criteria provided, single submitter. Criteria: ACMG Guidelines, 2015. Collection method: clinical testing. Allele origin: germline. Affected: no.

GeneDx
Classification: Likely benign. Last evaluated: 2021-03-09. Review status: criteria provided, single submitter. Criteria: GeneDx Variant Classification Process June 2021. Collection method: clinical testing. Allele origin: germline. Affected: yes.

Ambry Genetics
Classification: Benign for Inborn genetic diseases. Last evaluated: 2016-06-01. Review status: criteria provided, single submitter. Criteria: Ambry Variant Classification Scheme 2023. Collection method: clinical testing. Allele origin: germline.

Genetic Services Laboratory, University of Chicago
Classification: Benign for AllHighlyPenetrant. Last evaluated: 2013-07-08. Review status: criteria provided, single submitter. Criteria: ACMG Guidelines, 2007. Collection method: clinical testing. Allele origin: germline. Inheritance: Autosomal dominant inheritance. Observed: 4 variant alleles.

Breakthrough Genomics
Classification: Likely benign. Review status: criteria provided, single submitter. Criteria: ACMG Guidelines, 2015. Collection method: not provided. Allele origin: germline. Inheritance: Autosomal dominant inheritance. Affected: yes.

PreventionGenetics, part of Exact Sciences
Classification: Benign for ARID1B-related condition. Last evaluated: 2019-07-15. Review status: no assertion criteria provided. Collection method: clinical testing. Allele origin: germline. Not counted in ClinVar's aggregate classification.
Comment: This variant is classified as benign based on ACMG/AMP sequence variant interpretation guidelines (Richards et al. 2015 PMID: 25741868, with internal and published modifications).

NM_001374828.1(ARID1B):c.3828G>A (p.Glu1276=)

Gene: ARID1B (AT-rich interaction domain 1B; plus strand). Cytogenetic location: 6q25.3.
Variant type: single nucleotide variant.
Coding change: c.3828G>A on transcript NM_001374828.1 (MANE Select); coding-DNA position 3828, G replaced by A.
Protein change: p.Glu1276=; no amino-acid change (glutamic acid 1276 retained).
Molecular consequence: synonymous variant.
Genome position (GRCh38, 1-based): chr6:157,184,344, G>A. VCF-style: chr6-157184344-G-A. GRCh37 (hg19) VCF-style: chr6-157505478-G-A.
Other names: c.3459G>A, p.Glu1153= (NM_020732.3); c.1329G>A, p.Glu443= (NM_001363725.2); c.3708G>A, p.Glu1236= (NM_001371656.1, NM_001374820.1); c.3669G>A, p.Glu1223= (NM_017519.3).
Identifiers: ClinVar variation 126326 (VCV000126326.24), dbSNP rs61745451, ClinGen allele CA151050.